The following is an entry in ClinVar:

NM_207395.3(ZNF324B):c.1194A>G (p.Val398=)

Gene: ZNF324B (zinc finger protein 324B; plus strand). Cytogenetic location: 19q13.43.
Variant type: single nucleotide variant.
Coding change: c.1194A>G on transcript NM_207395.3 (MANE Select); coding-DNA position 1194, A replaced by G.
Protein change: p.Val398=; no amino-acid change (valine 398 retained).
Molecular consequence: synonymous variant.
Genome position (GRCh38, 1-based): chr19:58,456,138, A>G. VCF-style: chr19-58456138-A-G. GRCh37 (hg19) VCF-style: chr19-58967505-A-G.
Identifiers: ClinVar variation 4280773 (VCV004280773.7).

ClinVar aggregate classification (germline): Likely benign (1 of 4 stars; one submission).

Submission:

CeGaT Center for Human Genetics Tuebingen
Classification: Likely benign. Last evaluated: 2025-12-01. Review status: criteria provided, single submitter. Criteria: CeGaT Center For Human Genetics Tuebingen Variant Classification Criteria Version 2. Collection method: clinical testing. Allele origin: germline. Affected: yes. Observed: 2 variant alleles.
Comment: ZNF324B: BP4, BP7